The following is an entry in ClinVar:

NM_001365999.1(SZT2):c.7372T>C (p.Ser2458Pro)

Gene: SZT2 (SZT2 subunit of KICSTOR complex; plus strand). Cytogenetic location: 1p34.2.
Variant type: single nucleotide variant.
Coding change: c.7372T>C on transcript NM_001365999.1 (MANE Select); coding-DNA position 7372, T replaced by C.
Protein change: p.Ser2458Pro; replaces serine 2458 with proline.
Molecular consequence: missense variant.
Genome position (GRCh38, 1-based): chr1:43,441,241, T>C. VCF-style: chr1-43441241-T-C. GRCh37 (hg19) VCF-style: chr1-43906912-T-C.
Other names: c.7201T>C, p.Ser2401Pro (NM_015284.4); c.7201T>C (NM_015284.3); short protein forms S2401P, S2458P.
Identifiers: ClinVar variation 1475300 (VCV001475300.5), dbSNP rs746515876, ClinGen allele CA810215.

ClinVar aggregate classification (germline): Uncertain significance. Review status: criteria provided, multiple submitters, no conflicts (2 of 4 stars). 3 submissions from 3 submitters: Uncertain significance (3). Last evaluated 2025-03-30.

Conditions:
Inborn genetic diseases. Identifiers: MedGen C0950123, MeSH D030342.

Allele frequency attached by ClinVar (database versions not stated): ExAC 0.00001; gnomAD exomes 0.00001; TOPMed 0.00002.
gnomAD v4.1: 20 of 1,614,082 alleles (0.0012%); highest among the groups gnomAD compares: Middle Eastern, 0.033%; no homozygotes.

Submissions (3):

Ambry Genetics
Classification: Uncertain significance for Inborn genetic diseases. Last evaluated: 2025-03-30. Review status: criteria provided, single submitter. Criteria: Ambry Variant Classification Scheme 2023. Collection method: clinical testing. Allele origin: germline.

Blueprint Genetics
Classification: Uncertain significance. Last evaluated: 2022-12-15. Review status: criteria provided, single submitter. Criteria: ACMG Guidelines, 2015. Collection method: clinical testing. Allele origin: germline.

Labcorp Genetics (formerly Invitae), Labcorp
Classification: Uncertain significance. Last evaluated: 2022-05-31. Review status: criteria provided, single submitter. Criteria: Invitae Variant Classification Sherloc (09022015). Collection method: clinical testing. Allele origin: germline.
Comment: This sequence change replaces serine, which is neutral and polar, with proline, which is neutral and non-polar, at codon 2401 of the SZT2 protein (p.Ser2401Pro). This variant is present in population databases (rs746515876, gnomAD 0.0009%). This variant has not been reported in the literature in individuals affected with SZT2-related conditions. ClinVar contains an entry for this variant (Variation ID: 1475300). Algorithms developed to predict the effect of missense changes on protein structure and function are either unavailable or do not agree on the potential impact of this missense change (SIFT: "Deleterious"; PolyPhen-2: "Probably Damaging"; Align-GVGD: "Class C0"). In summary, the available evidence is currently insufficient to determine the role of this variant in disease. Therefore, it has been classified as a Variant of Uncertain Significance.